The following is an entry in ClinVar:

NM_001267550.2(TTN):c.92027C>G (p.Ala30676Gly)

Genes: TTN (titin; minus strand), TTN-AS1 (TTN antisense RNA 1; plus strand). Cytogenetic location: 2q31.2.
Variant type: single nucleotide variant.
Coding change: c.92027C>G on transcript NM_001267550.2 (MANE Select); coding-DNA position 92027, C replaced by G.
Protein change: p.Ala30676Gly; replaces alanine 30676 with glycine.
Molecular consequence: missense variant.
Genome position (GRCh38, 1-based): chr2:178,549,695, G>C on the plus strand (C>G on the coding strand, the complement: TTN is on the minus strand). VCF-style: chr2-178549695-G-C. GRCh37 (hg19) VCF-style: chr2-179414422-G-C.
Other names: c.87104C>G, p.Ala29035Gly (NM_001256850.1); c.64832C>G, p.Ala21611Gly (NM_003319.4); c.84323C>G, p.Ala28108Gly (NM_133378.4); c.65207C>G, p.Ala21736Gly (NM_133432.3); c.65408C>G, p.Ala21803Gly (NM_133437.4); short protein forms A29035G, A30676G, A28108G, A21611G, A21736G, A21803G.
Identifiers: ClinVar variation 1753771 (VCV001753771.2), dbSNP rs1237501659, ClinGen allele CA349494957.

ClinVar aggregate classification (germline): Uncertain significance (1 of 4 stars; one submission).

Conditions:
Cardiovascular phenotype. Identifiers: MedGen CN230736.

Allele frequency attached by ClinVar (database versions not stated): gnomAD exomes below 0.00001; TOPMed 0.00001; gnomAD 0.00002.

Submission:

Ambry Genetics
Classification: Uncertain significance for Cardiovascular phenotype. Last evaluated: 2019-11-01. Review status: criteria provided, single submitter. Criteria: Ambry Variant Classification Scheme 2023. Collection method: clinical testing. Allele origin: germline.
Comment: The p.A21611G variant (also known as c.64832C>G), located in coding exon 165 of the TTN gene, results from a C to G substitution at nucleotide position 64832. The alanine at codon 21611 is replaced by glycine, an amino acid with similar properties. This amino acid position is well conserved in available vertebrate species. In addition, this alteration is predicted to be tolerated by in silico analysis. Since supporting evidence is limited at this time, the clinical significance of this alteration remains unclear.